The following is an entry in ClinVar:

NM_014991.6(WDFY3):c.2110C>G (p.His704Asp)

Genes: WDFY3 (WD repeat and FYVE domain containing 3; minus strand), WDFY3-AS1 (WDFY3 antisense RNA 1; plus strand). Cytogenetic location: 4q21.23.
Variant type: single nucleotide variant.
Coding change: c.2110C>G on transcript NM_014991.6 (MANE Select); coding-DNA position 2110, C replaced by G.
Protein change: p.His704Asp; replaces histidine 704 with aspartic acid.
Molecular consequence: missense variant. On other transcripts: non-coding transcript variant (1).
Genome position (GRCh38, 1-based): chr4:84,810,122, G>C on the plus strand (C>G on the coding strand, the complement: WDFY3 is on the minus strand). VCF-style: chr4-84810122-G-C. GRCh37 (hg19) VCF-style: chr4-85731275-G-C.
Other names: short protein forms H704D.
Identifiers: ClinVar variation 3361265 (VCV003361265.1).

ClinVar aggregate classification (germline): Uncertain significance (1 of 4 stars; one submission).

Submission:

GeneDx
Classification: Uncertain significance. Last evaluated: 2023-07-25. Review status: criteria provided, single submitter. Criteria: GeneDx Variant Classification Process June 2021. Collection method: clinical testing. Allele origin: germline. Affected: yes.
Comment: Not observed at significant frequency in large population cohorts (gnomAD); In silico analysis supports that this missense variant does not alter protein structure/function; Has not been previously published as pathogenic or benign to our knowledge